The following is an entry in ClinVar:

NM_000179.3(MSH6):c.2674T>C (p.Ser892Pro)

Gene: MSH6 (mutS homolog 6; plus strand). Cytogenetic location: 2p16.3.
Variant type: single nucleotide variant.
Coding change: c.2674T>C on transcript NM_000179.3 (MANE Select); coding-DNA position 2674, T replaced by C.
Protein change: p.Ser892Pro; replaces serine 892 with proline.
Molecular consequence: missense variant.
Genome position (GRCh38, 1-based): chr2:47,800,657, T>C. VCF-style: chr2-47800657-T-C. GRCh37 (hg19) VCF-style: chr2-48027796-T-C.
Other names: c.2284T>C, p.Ser762Pro (NM_001281492.2); c.1768T>C, p.Ser590Pro (NM_001281493.2, NM_001281494.2, NM_001406811.1 and 6 more transcripts); c.2770T>C, p.Ser924Pro (NM_001406795.1, NM_001406802.1); c.2674T>C, p.Ser892Pro (NM_001406796.1, NM_001406798.1, NM_001406800.1 and 2 more transcripts); c.2377T>C, p.Ser793Pro (NM_001406797.1, NM_001406801.1, NM_001406805.1 and 10 more transcripts); c.2149T>C, p.Ser717Pro (NM_001406799.1, NM_001406806.1, NM_001406807.1); c.2596T>C, p.Ser866Pro (NM_001406804.1); c.2680T>C, p.Ser894Pro (NM_001406813.1); and 1 more; short protein forms S590P, S717P, S892P, S894P, S924P, S793P, S836P, S866P.
Identifiers: ClinVar variation 1794596 (VCV001794596.5), dbSNP rs1572728123, ClinGen allele CA346755261.

ClinVar aggregate classification (germline): Uncertain significance. Review status: criteria provided, multiple submitters, no conflicts (2 of 4 stars). 2 submissions from 2 submitters: Uncertain significance (2). Last evaluated 2023-04-30.

Conditions:
Hereditary nonpolyposis colorectal neoplasms. Identifiers: MedGen C0009405, MeSH D003123.
Hereditary cancer-predisposing syndrome. Also called: Tumor predisposition; Hereditary Cancer Syndrome; Neoplastic Syndromes, Hereditary; Hereditary neoplastic syndrome. Identifiers: Orphanet 140162, MedGen C0027672, MeSH D009386, MONDO:0015356.

Submissions (2):

Labcorp Genetics (formerly Invitae), Labcorp
Classification: Uncertain significance for Hereditary nonpolyposis colorectal neoplasms. Last evaluated: 2023-04-30. Review status: criteria provided, single submitter. Criteria: Invitae Variant Classification Sherloc (09022015). Collection method: clinical testing. Allele origin: germline.
Comment: In summary, the available evidence is currently insufficient to determine the role of this variant in disease. Therefore, it has been classified as a Variant of Uncertain Significance. ClinVar contains an entry for this variant (Variation ID: 1794596). Advanced modeling of protein sequence and biophysical properties (such as structural, functional, and spatial information, amino acid conservation, physicochemical variation, residue mobility, and thermodynamic stability) performed at Invitae indicates that this missense variant is not expected to disrupt MSH6 protein function. This variant has not been reported in the literature in individuals affected with MSH6-related conditions. This variant is not present in population databases (gnomAD no frequency). This sequence change replaces serine, which is neutral and polar, with proline, which is neutral and non-polar, at codon 892 of the MSH6 protein (p.Ser892Pro).

Ambry Genetics
Classification: Uncertain significance for Hereditary cancer-predisposing syndrome. Last evaluated: 2020-12-30. Review status: criteria provided, single submitter. Criteria: Ambry Variant Classification Scheme 2023. Collection method: clinical testing. Allele origin: germline.
Comment: The p.S892P variant (also known as c.2674T>C), located in coding exon 4 of the MSH6 gene, results from a T to C substitution at nucleotide position 2674. The serine at codon 892 is replaced by proline, an amino acid with similar properties. This amino acid position is poorly conserved in available vertebrate species. In addition, this alteration is predicted to be tolerated by in silico analysis. Since supporting evidence is limited at this time, the clinical significance of this alteration remains unclear.